The following is an entry in ClinVar:

NM_001134363.3(RBM20):c.1705G>A (p.Ala569Thr)

Gene: RBM20 (RNA binding motif protein 20; plus strand). Cytogenetic location: 10q25.2.
Variant type: single nucleotide variant.
Coding change: c.1705G>A on transcript NM_001134363.3 (MANE Select); coding-DNA position 1705, G replaced by A.
Protein change: p.Ala569Thr; replaces alanine 569 with threonine.
Molecular consequence: missense variant.
Genome position (GRCh38, 1-based): chr10:110,799,823, G>A. VCF-style: chr10-110799823-G-A. GRCh37 (hg19) VCF-style: chr10-112559581-G-A.
Other names: short protein forms A569T.
Identifiers: ClinVar variation 3666323 (VCV003666323.2), dbSNP rs976197437.

ClinVar aggregate classification (germline): Uncertain significance (1 of 4 stars; one submission).

Conditions:
Dilated cardiomyopathy 1DD (CMD1DD). Identifiers: Orphanet 154, MedGen C2750995, MONDO:0013168, OMIM 613172.

Allele frequency attached by ClinVar (database versions not stated): TOPMed below 0.00001.
gnomAD v4.1: 11 of 1,551,660 alleles (0.00071%); highest among the groups gnomAD compares: East Asian, 0.012%; no homozygotes.

Submission:

Labcorp Genetics (formerly Invitae), Labcorp
Classification: Uncertain significance for Dilated cardiomyopathy 1DD. Last evaluated: 2024-11-30. Review status: criteria provided, single submitter. Criteria: Invitae Variant Classification Sherloc (09022015). Collection method: clinical testing. Allele origin: germline.
Comment: This sequence change replaces alanine, which is neutral and non-polar, with threonine, which is neutral and polar, at codon 569 of the RBM20 protein (p.Ala569Thr). This variant is not present in population databases (gnomAD no frequency). This variant has not been reported in the literature in individuals affected with RBM20-related conditions. Invitae Evidence Modeling of protein sequence and biophysical properties (such as structural, functional, and spatial information, amino acid conservation, physicochemical variation, residue mobility, and thermodynamic stability) indicates that this missense variant is not expected to disrupt RBM20 protein function with a negative predictive value of 95%. In summary, the available evidence is currently insufficient to determine the role of this variant in disease. Therefore, it has been classified as a Variant of Uncertain Significance.